The following is an entry in ClinVar:

ClinVar aggregate classification (germline): Likely pathogenic (1 of 4 stars; one submission).

Conditions:
Severe combined immunodeficiency due to DCLRE1C deficiency (RS-SCID). Also called: SCID, AUTOSOMAL RECESSIVE, T CELL-NEGATIVE, B CELL-NEGATIVE, NK CELL-POSITIVE, WITH SENSITIVITY TO IONIZING RADIATION. Identifiers: Orphanet 275, MedGen C1865371, MONDO:0011225, OMIM 602450.

Submission:

Labcorp Genetics (formerly Invitae), Labcorp
Classification: Likely pathogenic for Athabaskan severe combined immunodeficiency. Last evaluated: 2024-10-22. Review status: criteria provided, single submitter. Criteria: Invitae Variant Classification Sherloc (09022015). Collection method: clinical testing. Allele origin: germline.
Comment: This variant results in the deletion of part of exon 11 (c.939_972+715del) of the DCLRE1C gene. It is expected to disrupt RNA splicing. Variants that disrupt the donor or acceptor splice site typically lead to a loss of protein function (PMID: 16199547), and loss-of-function variants in DCLRE1C are known to be pathogenic (PMID: 21664875, 26123418). This variant is not present in population databases (gnomAD no frequency). This variant has not been reported in the literature in individuals affected with DCLRE1C-related conditions. In summary, the currently available evidence indicates that the variant is pathogenic, but additional data are needed to prove that conclusively. Therefore, this variant has been classified as Likely Pathogenic.

Literature cited by the submitters: PubMed 16199547; PubMed 21664875; PubMed 26123418.

NM_001033855.3(DCLRE1C):c.939_972+715del

Gene: DCLRE1C (DNA cross-link repair 1C; minus strand). Cytogenetic location: 10p13.
Variant type: Deletion.
Coding change: c.939_972+715del on transcript NM_001033855.3 (MANE Select); coding-DNA position 939 through 715 bases into the intron after coding-DNA position 972, 749 bases deleted.
Molecular consequence: splice donor variant.
Genome position (GRCh38, 1-based): chr10:14,926,128-14,926,876, 749 bases deleted. GRCh37 (hg19): chr10:14,968,128-14,968,876.
Other names: c.594_627+715del (NM_001289078.2, NM_001289076.2, NM_022487.4 and 1 more transcripts); c.579_612+715del (NM_001289077.2, NM_001289079.2, NM_001033857.3 and 2 more transcripts); c.939_972+715del (NM_001350965.2).
Identifiers: ClinVar variation 2758674 (VCV002758674.3), dbSNP rs2491904960, ClinGen allele CA2697558277.